The following is an entry in ClinVar:

NM_001903.5(CTNNA1):c.1728T>G (p.Thr576=)

Gene: CTNNA1 (catenin alpha 1; plus strand). Cytogenetic location: 5q31.2.
Variant type: single nucleotide variant.
Coding change: c.1728T>G on transcript NM_001903.5 (MANE Select); coding-DNA position 1728, T replaced by G.
Protein change: p.Thr576=; no amino-acid change (threonine 576 retained).
Molecular consequence: synonymous variant.
Genome position (GRCh38, 1-based): chr5:138,924,691, T>G. VCF-style: chr5-138924691-T-G. GRCh37 (hg19) VCF-style: chr5-138260380-T-G.
Other names: c.1728T>G, p.Thr576= (NM_001290307.3, NM_001323982.2, NM_001323983.1 and 2 more transcripts); c.1419T>G, p.Thr473= (NM_001290309.3); c.1359T>G, p.Thr453= (NM_001290310.3); c.618T>G, p.Thr206= (NM_001290312.1, NM_001323987.1, NM_001323988.1 and 17 more transcripts); c.1635T>G, p.Thr545= (NM_001323986.2); c.279T>G, p.Thr93= (NM_001324006.1, NM_001324007.1, NM_001324008.1 and 2 more transcripts); c.525T>G, p.Thr175= (NM_001324011.1); c.375T>G, p.Thr125= (NM_001324012.1, NM_001324013.1); and 1 more.
Identifiers: ClinVar variation 1965850 (VCV001965850.7), dbSNP rs1763628532, ClinGen allele CA446597124.

ClinVar aggregate classification (germline): Benign/Likely benign. Review status: criteria provided, multiple submitters, no conflicts (2 of 4 stars). 3 submissions from 3 submitters: Benign (1); Likely benign (2). Last evaluated 2025-02-05.

Conditions:
Hereditary diffuse gastric adenocarcinoma (HDGC). Also called: DIFFUSE GASTRIC AND LOBULAR BREAST CANCER SYNDROME. Identifiers: Orphanet 26106, MedGen C1708349, MONDO:0007648, OMIM 137215.
Hereditary cancer-predisposing syndrome. Also called: Hereditary neoplastic syndrome; Neoplastic Syndromes, Hereditary; Tumor predisposition; Hereditary Cancer Syndrome. Identifiers: Orphanet 140162, MedGen C0027672, MeSH D009386, MONDO:0015356.

Allele frequency attached by ClinVar (database versions not stated): gnomAD exomes below 0.00001.
gnomAD v4.1: 1 of 1,581,874 alleles (0.000063%); highest among the groups gnomAD compares: Middle Eastern, 0.017%; no homozygotes.

Submissions (3):

Ambry Genetics
Classification: Likely benign for Hereditary cancer-predisposing syndrome. Last evaluated: 2025-02-05. Review status: criteria provided, single submitter. Criteria: Ambry Variant Classification Scheme 2023. Collection method: clinical testing. Allele origin: germline.

Myriad Genetics, Inc.
Classification: Benign for Hereditary diffuse gastric adenocarcinoma. Last evaluated: 2024-10-11. Review status: criteria provided, single submitter. Criteria: Myriad Autosomal Dominant, Autosomal Recessive and X-Linked Classification Criteria (2023). Collection method: clinical testing. Allele origin: unknown.
Comment: This variant is considered benign. This variant is a silent/synonymous amino acid change and it is not expected to impact splicing.

Labcorp Genetics (formerly Invitae), Labcorp
Classification: Likely benign. Last evaluated: 2023-10-18. Review status: criteria provided, single submitter. Criteria: Invitae Variant Classification Sherloc (09022015). Collection method: clinical testing. Allele origin: germline.